The following is an entry in ClinVar:

ClinVar aggregate classification (germline): Likely benign. Review status: criteria provided, multiple submitters, no conflicts (2 of 4 stars). 3 submissions from 3 submitters: Likely benign (3). Last evaluated 2026-07-01.

Allele frequency attached by ClinVar (database versions not stated): ESP Exome Variant Server 0.00008; TOPMed 0.00015; gnomAD exomes 0.00020; gnomAD 0.00027; ExAC 0.00030; 1000 Genomes Project 30x 0.00031; 1000 Genomes Project 0.00040.
gnomAD v4.1: 342 of 1,614,182 alleles (0.021%); highest among the groups gnomAD compares: Middle Eastern, 0.4%; 4 homozygotes.

Submissions (3):

CeGaT Center for Human Genetics Tuebingen
Classification: Likely benign. Last evaluated: 2026-07-01. Review status: criteria provided, single submitter. Criteria: CeGaT Center For Human Genetics Tuebingen Variant Classification Criteria Version 2. Collection method: clinical testing. Allele origin: germline. Affected: yes. Observed: 8 variant alleles.
Comment: HIVEP2: BP4, BP7

Labcorp Genetics (formerly Invitae), Labcorp
Classification: Likely benign. Last evaluated: 2026-01-27. Review status: criteria provided, single submitter. Criteria: Invitae Variant Classification Sherloc (09022015). Collection method: clinical testing. Allele origin: germline.

Blueprint Genetics
Classification: Likely benign. Last evaluated: 2024-11-18. Review status: criteria provided, single submitter. Criteria: ACMG Guidelines, 2015. Collection method: clinical testing. Allele origin: germline.

NM_006734.4(HIVEP2):c.5892A>G (p.Gly1964=)

Gene: HIVEP2 (HIVEP zinc finger 2; minus strand). Cytogenetic location: 6q24.2.
Variant type: single nucleotide variant.
Coding change: c.5892A>G on transcript NM_006734.4 (MANE Select); coding-DNA position 5892, A replaced by G.
Protein change: p.Gly1964=; no amino-acid change (glycine 1964 retained).
Molecular consequence: synonymous variant.
Genome position (GRCh38, 1-based): chr6:142,760,396, T>C on the plus strand (A>G on the coding strand, the complement: HIVEP2 is on the minus strand). VCF-style: chr6-142760396-T-C. GRCh37 (hg19) VCF-style: chr6-143081533-T-C.
Identifiers: ClinVar variation 2066885 (VCV002066885.29), dbSNP rs200019864, ClinGen allele CA4027781.